The following is an entry in ClinVar:

ClinVar aggregate classification (germline): Uncertain significance (1 of 4 stars; one submission).

Submission:

Labcorp Genetics (formerly Invitae), Labcorp
Classification: Uncertain significance. Last evaluated: 2025-12-08. Review status: criteria provided, single submitter. Criteria: Invitae Variant Classification Sherloc (09022015). Collection method: clinical testing. Allele origin: germline.
Comment: This sequence change replaces serine, which is neutral and polar, with tyrosine, which is neutral and polar, at codon 185 of the EIF2B3 protein (p.Ser185Tyr). This variant is not present in population databases (gnomAD no frequency). This variant has not been reported in the literature in individuals affected with EIF2B3-related conditions. ClinVar contains an entry for this variant (Variation ID: 2007955). Invitae Evidence Modeling of protein sequence and biophysical properties (such as structural, functional, and spatial information, amino acid conservation, physicochemical variation, residue mobility, and thermodynamic stability) indicates that this missense variant is not expected to disrupt EIF2B3 protein function with a negative predictive value of 80%. In summary, the available evidence is currently insufficient to determine the role of this variant in disease. Therefore, it has been classified as a Variant of Uncertain Significance.

NM_020365.5(EIF2B3):c.554C>A (p.Ser185Tyr)

Gene: EIF2B3 (eukaryotic translation initiation factor 2B subunit gamma; minus strand). Cytogenetic location: 1p34.1.
Variant type: single nucleotide variant.
Coding change: c.554C>A on transcript NM_020365.5 (MANE Select); coding-DNA position 554, C replaced by A.
Protein change: p.Ser185Tyr; replaces serine 185 with tyrosine.
Molecular consequence: missense variant.
Genome position (GRCh38, 1-based): chr1:44,926,640, G>T on the plus strand (C>A on the coding strand, the complement: EIF2B3 is on the minus strand). VCF-style: chr1-44926640-G-T. GRCh37 (hg19) VCF-style: chr1-45392312-G-T.
Other names: c.554C>A, p.Ser185Tyr (NM_001166588.3, NM_001261418.2); short protein forms S185Y.
Identifiers: ClinVar variation 2007955 (VCV002007955.4), dbSNP rs2522542804, ClinGen allele CA340104043.